The following is an entry in ClinVar:

ClinVar aggregate classification (germline): Likely benign (0 of 4 stars; one submission).

Conditions:
MAP1A-related disorder. Also called: MAP1A-related condition.

Allele frequency attached by ClinVar (database versions not stated): ExAC 0.00037; ESP Exome Variant Server 0.00115; gnomAD 0.00115; TOPMed 0.00138; 1000 Genomes Project 0.00140; 1000 Genomes Project 30x 0.00187.
gnomAD v4.1: 365 of 1,614,100 alleles (0.023%); highest among the groups gnomAD compares: African/African-American, 0.37%; 2 homozygotes.

Submission:

PreventionGenetics, part of Exact Sciences
Classification: Likely benign for MAP1A-related condition. Last evaluated: 2022-05-09. Review status: no assertion criteria provided. Collection method: clinical testing. Allele origin: germline.
Comment: This variant is classified as likely benign based on ACMG/AMP sequence variant interpretation guidelines (Richards et al. 2015 PMID: 25741868, with internal and published modifications).

NM_002373.6(MAP1A):c.3234C>G (p.Asn1078Lys)

Gene: MAP1A (microtubule associated protein 1A; plus strand). Cytogenetic location: 15q15.3.
Variant type: single nucleotide variant.
Coding change: c.3234C>G on transcript NM_002373.6 (MANE Select); coding-DNA position 3234, C replaced by G.
Protein change: p.Asn1078Lys; replaces asparagine 1078 with lysine.
Molecular consequence: missense variant.
Genome position (GRCh38, 1-based): chr15:43,524,707, C>G. VCF-style: chr15-43524707-C-G. GRCh37 (hg19) VCF-style: chr15-43816905-C-G.
Other names: c.3948C>G, p.Asn1316Lys (NM_001411089.1); short protein forms N1078K, N1316K.
Identifiers: ClinVar variation 3045577 (VCV003045577.2), dbSNP rs186025709, ClinGen allele CA7526364.